The following is an entry in ClinVar:

ClinVar aggregate classification (germline): Likely benign (1 of 4 stars; one submission).

gnomAD v4.1: 24 of 1,603,186 alleles (0.0015%); highest among the groups gnomAD compares: South Asian, 0.02%; no homozygotes.

Submission:

CeGaT Center for Human Genetics Tuebingen
Classification: Likely benign. Last evaluated: 2025-08-01. Review status: criteria provided, single submitter. Criteria: CeGaT Center For Human Genetics Tuebingen Variant Classification Criteria Version 2. Collection method: clinical testing. Allele origin: germline. Affected: yes. Observed: 1 variant allele.
Comment: SLC45A1: BP4, BP7

NM_001080397.3(SLC45A1):c.702C>T (p.His234=)

Gene: SLC45A1 (solute carrier family 45 member 1; plus strand). Cytogenetic location: 1p36.23.
Variant type: single nucleotide variant.
Coding change: c.702C>T on transcript NM_001080397.3 (MANE Select); coding-DNA position 702, C replaced by T.
Protein change: p.His234=; no amino-acid change (histidine 234 retained).
Molecular consequence: synonymous variant.
Genome position (GRCh38, 1-based): chr1:8,326,029, C>T. VCF-style: chr1-8326029-C-T. GRCh37 (hg19) VCF-style: chr1-8386089-C-T.
Other names: c.702C>T, p.His234= (NM_001379614.1); c.609C>T, p.His203= (NM_001379615.1, NM_001379616.1); c.96C>T, p.His32= (NM_001379617.1, NM_001379618.1).
Identifiers: ClinVar variation 4085044 (VCV004085044.8).